The following is an entry in ClinVar:

NM_000132.4(F8):c.6957G>A (p.Pro2319=)

Gene: F8 (coagulation factor VIII; minus strand). Cytogenetic location: Xq28.
Variant type: single nucleotide variant.
Coding change: c.6957G>A on transcript NM_000132.4 (MANE Select); coding-DNA position 6957, G replaced by A.
Protein change: p.Pro2319=; no amino-acid change (proline 2319 retained).
Molecular consequence: synonymous variant.
Genome position (GRCh38, 1-based): chrX:154,837,696, C>T on the plus strand (G>A on the coding strand, the complement: F8 is on the minus strand). VCF-style: chrX-154837696-C-T. GRCh37 (hg19) VCF-style: chrX-154065971-C-T.
Other names: c.552G>A, p.Pro184= (NM_019863.3).
Identifiers: ClinVar variation 368115 (VCV000368115.6), dbSNP rs200902529, ClinGen allele CA10567726.

ClinVar aggregate classification (germline): Likely benign. Review status: criteria provided, multiple submitters, no conflicts (2 of 4 stars). 2 submissions from 2 submitters: Likely benign (2). Last evaluated 2025-10-22.

Conditions:
Hereditary factor VIII deficiency disease (HEMA). Also called: AUTOSOMAL HEMOPHILIA A; HEM A; Factor 8 deficiency, congenital; Hemophilia A, congenital; HEMOPHILIA, CLASSIC; Hemophilia A. Identifiers: Orphanet 98878, MedGen C0019069, MONDO:0010602, OMIM 306700.

Allele frequency attached by ClinVar (database versions not stated): 1000 Genomes Project 0.00053; 1000 Genomes Project 30x 0.00062; gnomAD 0.00001 and 0.00003; TOPMed 0.00003; gnomAD exomes 0.00004 and 0.00007; ExAC 0.00012.

Submissions (2):

Women's Health and Genetics/Laboratory Corporation of America, LabCorp
Classification: Likely benign. Last evaluated: 2025-10-22. Review status: criteria provided, single submitter. Criteria: LabCorp Variant Classification Summary - May 2015. Collection method: clinical testing. Allele origin: germline.

Illumina Laboratory Services, Illumina
Classification: Likely benign for Hereditary factor VIII deficiency disease. Last evaluated: 2017-04-27. Review status: criteria provided, single submitter. Criteria: ICSL Variant Classification Criteria 13 December 2019. Collection method: clinical testing. Allele origin: germline.
Comment: This variant was observed as part of a predisposition screen in an ostensibly healthy population. A literature search was performed for the gene, cDNA change, and amino acid change (where applicable). No publications were found based on this search. Allele frequency data from public databases allowed determination this variant is unlikely to cause disease. Therefore, this variant is classified as likely benign.